The following is an entry in ClinVar:

NM_001365951.3(KIF1B):c.1354G>T (p.Val452Leu)

Gene: KIF1B (kinesin family member 1B; plus strand). Cytogenetic location: 1p36.22.
Variant type: single nucleotide variant.
Coding change: c.1354G>T on transcript NM_001365951.3 (MANE Select); coding-DNA position 1354, G replaced by T.
Protein change: p.Val452Leu; replaces valine 452 with leucine.
Molecular consequence: missense variant.
Genome position (GRCh38, 1-based): chr1:10,282,453, G>T. VCF-style: chr1-10282453-G-T. GRCh37 (hg19) VCF-style: chr1-10342511-G-T.
Other names: c.1354G>T, p.Val452Leu (NM_001365952.1); c.1216G>T, p.Val406Leu (NM_001365953.1, NM_015074.3, NM_183416.4); short protein forms V452L, V406L.
Identifiers: ClinVar variation 2448789 (VCV002448789.2), dbSNP rs779257905, ClinGen allele CA338336358.

ClinVar aggregate classification (germline): Uncertain significance (1 of 4 stars; one submission).

Submission:

Ambry Genetics
Classification: Uncertain significance. Last evaluated: 2023-02-24. Review status: criteria provided, single submitter. Criteria: Ambry Variant Classification Scheme 2023. Collection method: clinical testing. Allele origin: germline.
Comment: The p.V406L variant (also known as c.1216G>T), located in coding exon 12 of the KIF1B gene, results from a G to T substitution at nucleotide position 1216. The valine at codon 406 is replaced by leucine, an amino acid with highly similar properties. This amino acid position is conserved. In addition, this alteration is predicted to be tolerated by in silico analysis. Since supporting evidence is limited at this time, the clinical significance of this alteration remains unclear.